The following is an entry in ClinVar:

NM_000466.3(PEX1):c.947C>T (p.Pro316Leu)

Gene: PEX1 (peroxisomal biogenesis factor 1; minus strand). Cytogenetic location: 7q21.2.
Variant type: single nucleotide variant.
Coding change: c.947C>T on transcript NM_000466.3 (MANE Select); coding-DNA position 947, C replaced by T.
Protein change: p.Pro316Leu; replaces proline 316 with leucine.
Molecular consequence: missense variant.
Genome position (GRCh38, 1-based): chr7:92,517,568, G>A on the plus strand (C>T on the coding strand, the complement: PEX1 is on the minus strand). VCF-style: chr7-92517568-G-A. GRCh37 (hg19) VCF-style: chr7-92146882-G-A.
Other names: c.947C>T, p.Pro316Leu (NM_001282677.2); c.323C>T, p.Pro108Leu (NM_001282678.2); short protein forms P108L, P316L.
Identifiers: ClinVar variation 1471296 (VCV001471296.8), dbSNP rs1296643317, ClinGen allele CA368198833.

ClinVar aggregate classification (germline): Uncertain significance (1 of 4 stars; one submission).

Conditions:
Zellweger spectrum disorders (ZS). Also called: Zellweger Spectrum Disorder (ZSD); Zellweger syndrome; Zellweger Spectrum Disorder; Zellweger Spectrum. Identifiers: Orphanet 912, MedGen C0043459, MONDO:0019609.

Allele frequency attached by ClinVar (database versions not stated): gnomAD exomes below 0.00001.
gnomAD v4.1: 1 of 1,614,014 alleles (0.000062%); highest among the groups gnomAD compares: Admixed American, 0.0017%; no homozygotes.

Submission:

Labcorp Genetics (formerly Invitae), Labcorp
Classification: Uncertain significance for Zellweger spectrum disorders. Last evaluated: 2023-12-11. Review status: criteria provided, single submitter. Criteria: Invitae Variant Classification Sherloc (09022015). Collection method: clinical testing. Allele origin: germline.
Comment: This sequence change replaces proline, which is neutral and non-polar, with leucine, which is neutral and non-polar, at codon 316 of the PEX1 protein (p.Pro316Leu). This variant is present in population databases (no rsID available, gnomAD 0.003%). This variant has not been reported in the literature in individuals affected with PEX1-related conditions. ClinVar contains an entry for this variant (Variation ID: 1471296). Advanced modeling of protein sequence and biophysical properties (such as structural, functional, and spatial information, amino acid conservation, physicochemical variation, residue mobility, and thermodynamic stability) performed at Invitae indicates that this missense variant is not expected to disrupt PEX1 protein function with a negative predictive value of 80%. In summary, the available evidence is currently insufficient to determine the role of this variant in disease. Therefore, it has been classified as a Variant of Uncertain Significance.